The following is an entry in ClinVar:

ClinVar aggregate classification (germline): Conflicting classifications of pathogenicity. Review status: criteria provided, conflicting classifications (1 of 4 stars). 3 submissions from 2 submitters: Uncertain significance (2); Likely benign (1). Last evaluated 2023-01-01.

Conditions:
Tuberous sclerosis 1 (TSC1). Identifiers: Orphanet 805, MedGen C1854465, MONDO:0008612, OMIM 191100.
Isolated focal cortical dysplasia type II (FCORD2). Also called: Focal cortical dysplasia type II; CORTICAL DYSPLASIA OF TAYLOR. Identifiers: Orphanet 268994, MedGen C1846385, MONDO:0011818, OMIM 607341, HP:0032051.

Allele frequency attached by ClinVar (database versions not stated): 1000 Genomes Project 0.00020; gnomAD 0.00004 and 0.00007; TOPMed 0.00007.
gnomAD v4.1: 12 of 233,104 alleles (0.0051%); highest among the groups gnomAD compares: East Asian, 0.048%; no homozygotes.

Submissions (3):

CeGaT Center for Human Genetics Tuebingen
Classification: Likely benign. Last evaluated: 2023-01-01. Review status: criteria provided, single submitter. Criteria: CeGaT Center For Human Genetics Tuebingen Variant Classification Criteria Version 2. Collection method: clinical testing. Allele origin: germline. Affected: yes. Observed: 1 variant allele.
Comment: TSC1: BS1

Illumina Laboratory Services, Illumina
Classification: Uncertain significance for Isolated focal cortical dysplasia type II. Last evaluated: 2018-01-12. Review status: criteria provided, single submitter. Criteria: ICSL Variant Classification Criteria 13 December 2019. Collection method: clinical testing. Allele origin: germline.

Illumina Laboratory Services, Illumina
Classification: Uncertain significance for Tuberous sclerosis 1. Last evaluated: 2018-01-12. Review status: criteria provided, single submitter. Criteria: ICSL Variant Classification Criteria 13 December 2019. Collection method: clinical testing. Allele origin: germline.

NM_000368.5(TSC1):c.*2638C>T

Gene: TSC1 (TSC complex subunit 1; minus strand). Cytogenetic location: 9q34.13.
Variant type: single nucleotide variant.
Coding change: c.*2638C>T on transcript NM_000368.5 (MANE Select); 2638 bases downstream of the stop codon, C replaced by T.
Molecular consequence: 3 prime UTR variant.
Genome position (GRCh38, 1-based): chr9:132,893,597, G>A on the plus strand (C>T on the coding strand, the complement: TSC1 is on the minus strand). VCF-style: chr9-132893597-G-A. GRCh37 (hg19) VCF-style: chr9-135768984-G-A.
Other names: c.*2638C>T (NM_001162426.2, NM_001162427.2, NM_001362177.2).
Identifiers: ClinVar variation 365445 (VCV000365445.29), dbSNP rs373845353, ClinGen allele CA10626691.